The following is an entry in ClinVar:

NM_004260.4(RECQL4):c.3101C>T (p.Ala1034Val)

Gene: RECQL4 (RecQ like helicase 4; minus strand). Cytogenetic location: 8q24.3.
Variant type: single nucleotide variant.
Coding change: c.3101C>T on transcript NM_004260.4 (MANE Select); coding-DNA position 3101, C replaced by T.
Protein change: p.Ala1034Val; replaces alanine 1034 with valine.
Molecular consequence: missense variant.
Genome position (GRCh38, 1-based): chr8:144,512,279, G>A on the plus strand (C>T on the coding strand, the complement: RECQL4 is on the minus strand). VCF-style: chr8-144512279-G-A. GRCh37 (hg19) VCF-style: chr8-145737662-G-A.
Other names: short protein forms A1034V.
Identifiers: ClinVar variation 640045 (VCV000640045.3), dbSNP rs1586793697, ClinGen allele CA372670651.
Genomic context (GRCh38, chr8:144,512,279, plus strand): 5'-AAGTCACATATCTGGTCCTTCTCCTCAGCGGTCAAGTCCCCCGGGCTGCGAAGGTGGAAG[G>A]CCAGCTCACTGAACTCCACAAGCACCCCTGTCCCACGCCGCACACCTGCCGGAAAGCATG-3'
Protein context (NP_004251.4, residues 1024-1044): TGVLVEFSEL[Ala1034Val]FHLRSPGDLT

ClinVar aggregate classification (germline): Uncertain significance (1 of 4 stars; one submission).

Conditions:
Baller-Gerold syndrome (BGS). Also called: CRANIOSYNOSTOSIS WITH RADIAL DEFECTS. Identifiers: Orphanet 1225, MedGen C0265308, MONDO:0009039, OMIM 218600.

Submission:

Labcorp Genetics (formerly Invitae), Labcorp
Classification: Uncertain significance for Baller-Gerold syndrome. Last evaluated: 2018-07-24. Review status: criteria provided, single submitter. Criteria: Invitae Variant Classification Sherloc (09022015). Collection method: clinical testing. Allele origin: germline.
Comment: In summary, the available evidence is currently insufficient to determine the role of this variant in disease. Therefore, it has been classified as a Variant of Uncertain Significance. Algorithms developed to predict the effect of missense changes on protein structure and function are either unavailable or do not agree on the potential impact of this missense change (SIFT: "deleterious"; PolyPhen-2: "probably damaging"; Align-GVGD: "Class C0"). This variant has not been reported in the literature in individuals with RECQL4-related disease. This variant is not present in population databases (ExAC no frequency). This sequence change replaces alanine with valine at codon 1034 of the RECQL4 protein (p.Ala1034Val). The alanine residue is highly conserved and there is a small physicochemical difference between alanine and valine.